The following is an entry in ClinVar:

ClinVar aggregate classification (germline): Pathogenic (1 of 4 stars; one submission).

Conditions:
Inborn genetic diseases. Identifiers: MedGen C0950123, MeSH D030342.

Submission:

Ambry Genetics
Classification: Pathogenic for Inborn genetic diseases. Last evaluated: 2017-05-11. Review status: criteria provided, single submitter. Criteria: Ambry Variant Classification Scheme 2023. Collection method: clinical testing. Allele origin: germline.
Comment: The c.5251delG pathogenic mutation, located in coding exon 23 of the CHD7 gene, results from a deletion of one nucleotide at nucleotide position 5251, causing a translational frameshift with a predicted alternate stop codon (p.E1751Kfs*2). This alteration is expected to result in loss of function by premature protein truncation or nonsense-mediated mRNA decay. As such, this alteration is interpreted as a disease-causing mutation.

NM_017780.4(CHD7):c.5251del (p.Glu1751fs)

Gene: CHD7 (chromodomain helicase DNA binding protein 7; plus strand). Cytogenetic location: 8q12.2.
Variant type: Deletion.
Coding change: c.5251del on transcript NM_017780.4 (MANE Select); coding-DNA position 5251, one base deleted (G; older notation c.5251delG).
Protein change: p.Glu1751fs; shifts the reading frame from glutamic acid 1751.
Molecular consequence: frameshift variant. On other transcripts: intron variant (1).
Genome position (GRCh38, 1-based): chr8:60,848,555, G deleted. VCF-style (leftmost placement, unchanged base first): chr8-60848554-AG-A. GRCh37 (hg19) VCF-style: chr8-61761113-AG-A.
Other names: c.1717-13674del (NM_001316690.1); short protein forms E1751fs.
Identifiers: ClinVar variation 1746368 (VCV001746368.2), dbSNP rs2487998412, ClinGen allele CA2580078475.